The following is an entry in ClinVar:

ClinVar aggregate classification (germline): Pathogenic (1 of 4 stars; one submission).

Conditions:
Fetal akinesia deformation sequence 1 (FADS1). Also called: Pena-Shokeir syndrome type I; Fetal akinesia sequence. Identifiers: Orphanet 994, MedGen C1276035, MONDO:0100101, OMIM 208150, HP:0001989.
Congenital myasthenic syndrome 9. Also called: Myasthenic syndrome, congenital, 9, associated with acetylcholine receptor deficiency. Identifiers: Orphanet 590, MedGen C4225368, MONDO:0014587, OMIM 616325.

Submission:

Labcorp Genetics (formerly Invitae), Labcorp
Classification: Pathogenic for Congenital myasthenic syndrome 9; Fetal akinesia deformation sequence 1. Last evaluated: 2022-08-31. Review status: criteria provided, single submitter. Criteria: Invitae Variant Classification Sherloc (09022015). Collection method: clinical testing. Allele origin: germline.
Comment: For these reasons, this variant has been classified as Pathogenic. This variant has not been reported in the literature in individuals affected with MUSK-related conditions. This variant is a gross deletion of the genomic region encompassing exon(s) 3-4 of the MUSK gene. This deletion is out-of-frame, and is expected to create a premature termination codon and result in an absent or disrupted protein product. Loss-of-function variants in MUSK are known to be pathogenic (PMID: 8653786, 25612909, 25695962, 25900532).

Literature cited by the submitters: PubMed 8653786; PubMed 25612909; PubMed 25695962; PubMed 25900532.

NC_000009.11:g.(?_113449377)_(113457830_?)del

Gene: MUSK (muscle associated receptor tyrosine kinase; plus strand). Cytogenetic location: 9q31.3.
Variant type: Deletion.
Identifiers: ClinVar variation 1460076 (VCV001460076.9).